The following is an entry in ClinVar:

Conditions:
Breast-ovarian cancer, familial, susceptibility to, 1 (BROVCA1). Also called: BRCA1 Hereditary Breast and Ovarian Cancer; OVARIAN CANCER, SUSCEPTIBILITY TO. Identifiers: Orphanet 145, MedGen C2676676, MONDO:0011450, OMIM 604370. Disease mechanism: loss of function.

Submission:

Brotman Baty Institute, University of Washington
No classification provided (evidence only). Condition: Breast-ovarian cancer, familial 1. Review status: no classification provided. Collection method: in vitro. Allele origin: not applicable. Functional consequence: functionally_normal.
ClinVar note: "not provided" was previously submitted as the classification for the variant. However, the classification appeared to be based only on an observation of functional data so it was converted to no classification on 2025-07-30.

NM_007294.4(BRCA1):c.36A>C (p.Gln12His)

Gene: BRCA1 (BRCA1 DNA repair associated; minus strand). Cytogenetic location: 17q21.31.
Variant type: single nucleotide variant.
Coding change: c.36A>C on transcript NM_007294.4 (MANE Select); coding-DNA position 36, A replaced by C.
Protein change: p.Gln12His; replaces glutamine 12 with histidine.
Molecular consequence: missense variant. On other transcripts: 5 prime UTR variant (1), non-coding transcript variant (1).
Genome position (GRCh38, 1-based): chr17:43,124,061, T>G on the plus strand (A>C on the coding strand, the complement: BRCA1 is on the minus strand). VCF-style: chr17-43124061-T-G. GRCh37 (hg19) VCF-style: chr17-41276078-T-G.
Other names: c.-153A>C (NM_001407571.1, NM_001407853.1, NM_001407879.1 and 46 more transcripts); c.36A>C, p.Gln12His (NM_001407581.1, NM_001407582.1, NM_001407583.1 and 193 more transcripts); c.-222A>C (NM_001407694.1, NM_001407724.1, NM_001407727.1 and 11 more transcripts); c.-226A>C (NM_001407695.1, NM_001408465.1); c.-367A>C (NM_001407696.1); c.-251A>C (NM_001407697.1, NM_001407846.1, NM_001407920.1); c.-52A>C (NM_001407698.1, NM_001407732.1, NM_001407736.1 and 23 more transcripts); c.-225A>C (NM_001407725.1, NM_001407730.1, NM_001407734.1 and 22 more transcripts); and 8 more; short protein forms Q12H.
Identifiers: ClinVar variation 868717 (VCV000868717.3), dbSNP rs763230080, ClinGen allele CA10602090.